The following is an entry in ClinVar:

NM_000059.4(BRCA2):c.4979_4980del (p.Pro1660fs)

Gene: BRCA2 (BRCA2 DNA repair associated; plus strand). Cytogenetic location: 13q13.1.
Variant type: Deletion.
Coding change: c.4979_4980del on transcript NM_000059.4 (MANE Select); coding-DNA positions 4979 to 4980, 2 bases deleted (CT; older notation c.4979_4980delCT).
Protein change: p.Pro1660fs; shifts the reading frame from proline 1660.
Molecular consequence: frameshift variant.
Genome position (GRCh38, 1-based): chr13:32,339,334-32,339,335, CT deleted. VCF-style (leftmost placement, unchanged base first): chr13-32339333-CCT-C. GRCh37 (hg19) VCF-style: chr13-32913470-CCT-C.
Other names: short protein forms P1660fs.
Identifiers: ClinVar variation 1744503 (VCV001744503.5), dbSNP rs2548529734, ClinGen allele CA2499222184.

ClinVar aggregate classification (germline): Pathogenic. Review status: criteria provided, multiple submitters, no conflicts (2 of 4 stars). 2 submissions from 2 submitters: Pathogenic (2). Last evaluated 2023-05-21.

Conditions:
Hereditary cancer-predisposing syndrome. Also called: Hereditary Cancer Syndrome; Neoplastic Syndromes, Hereditary; Tumor predisposition; Hereditary neoplastic syndrome. Identifiers: Orphanet 140162, MedGen C0027672, MeSH D009386, MONDO:0015356.
Hereditary breast ovarian cancer syndrome. Also called: Breast and ovarian cancer; Hereditary breast and ovarian cancer; Hereditary breast and/or ovarian cancer syndrome; BRCA1- and BRCA2-Associated Hereditary Breast and Ovarian Cancer; Hereditary breast and ovarian cancer syndrome (HBOC); Hereditary breast and ovarian cancer syndrome. Identifiers: Orphanet 145, MedGen C0677776, MeSH D061325, MONDO:0003582. Disease mechanism: loss of function.

Submissions (2):

Labcorp Genetics (formerly Invitae), Labcorp
Classification: Pathogenic for Hereditary breast ovarian cancer syndrome. Last evaluated: 2023-05-21. Review status: criteria provided, single submitter. Criteria: Invitae Variant Classification Sherloc (09022015). Collection method: clinical testing. Allele origin: germline.
Comment: This sequence change creates a premature translational stop signal (p.Pro1660Leufs*5) in the BRCA2 gene. It is expected to result in an absent or disrupted protein product. Loss-of-function variants in BRCA2 are known to be pathogenic (PMID: 20104584). This variant is not present in population databases (gnomAD no frequency). This premature translational stop signal has been observed in individual(s) with hereditary breast and ovarian cancer syndrome (HBOC) (PMID: 29907814). ClinVar contains an entry for this variant (Variation ID: 1744503). For these reasons, this variant has been classified as Pathogenic.

Ambry Genetics
Classification: Pathogenic for Hereditary cancer-predisposing syndrome. Last evaluated: 2022-03-11. Review status: criteria provided, single submitter. Criteria: Ambry Variant Classification Scheme 2023. Collection method: clinical testing. Allele origin: germline.
Comment: The c.4979_4980delCT pathogenic mutation, located in coding exon 10 of the BRCA2 gene, results from a deletion of two nucleotides at nucleotide positions 4979 to 4980, causing a translational frameshift with a predicted alternate stop codon (p.P1660Lfs*5). This variant is considered to be rare based on population cohorts in the Genome Aggregation Database (gnomAD). This alteration is expected to result in loss of function by premature protein truncation or nonsense-mediated mRNA decay. As such, this alteration is interpreted as a disease-causing mutation.

Literature cited by the submitters: PubMed 20104584 (cited by Labcorp Genetics (formerly Invitae), Labcorp); PubMed 29907814 (cited by Labcorp Genetics (formerly Invitae), Labcorp).